The following is an entry in ClinVar:

ClinVar aggregate classification (germline): Uncertain significance (1 of 4 stars; one submission).

Allele frequency attached by ClinVar (database versions not stated): ExAC 0.00001; gnomAD exomes 0.00001.
gnomAD v4.1: 7 of 1,614,038 alleles (0.00043%); highest among the groups gnomAD compares: Admixed American, 0.0033%; no homozygotes.

Submission:

GeneDx
Classification: Uncertain significance. Last evaluated: 2019-08-21. Review status: criteria provided, single submitter. Criteria: GeneDx Variant Classification Process June 2021. Collection method: clinical testing. Allele origin: germline. Affected: yes.
Comment: In silico analysis, which includes protein predictors and evolutionary conservation, supports that this variant does not alter protein structure/function; Has not been previously published as pathogenic or benign to our knowledge

NM_001130823.3(DNMT1):c.4510G>A (p.Ala1504Thr)

Genes: DNMT1 (DNA methyltransferase 1; minus strand), LOC126862853 (CDK7 strongly-dependent group 2 enhancer GRCh37_chr19:10246117-10247316; plus strand). Cytogenetic location: 19p13.2.
Variant type: single nucleotide variant.
Coding change: c.4510G>A on transcript NM_001130823.3 (MANE Select); coding-DNA position 4510, G replaced by A.
Protein change: p.Ala1504Thr; replaces alanine 1504 with threonine.
Molecular consequence: missense variant.
Genome position (GRCh38, 1-based): chr19:10,136,267, C>T on the plus strand (G>A on the coding strand, the complement: DNMT1 is on the minus strand). VCF-style: chr19-10136267-C-T. GRCh37 (hg19) VCF-style: chr19-10246943-C-T.
Other names: c.4471G>A, p.Ala1491Thr (NM_001318730.2); c.4147G>A, p.Ala1383Thr (NM_001318731.2); c.4462G>A, p.Ala1488Thr (NM_001379.4); short protein forms A1383T, A1488T, A1491T, A1504T.
Identifiers: ClinVar variation 1307998 (VCV001307998.2), dbSNP rs749413587, ClinGen allele CA9187481.